The following is an entry in ClinVar:

ClinVar aggregate classification (germline): Uncertain significance (1 of 4 stars; one submission).

gnomAD v4.1: 1 of 1,613,928 alleles (0.000062%); highest among the groups gnomAD compares: Non-Finnish European, 0.000085%; no homozygotes.

Submission:

Labcorp Genetics (formerly Invitae), Labcorp
Classification: Uncertain significance. Last evaluated: 2022-10-20. Review status: criteria provided, single submitter. Criteria: Invitae Variant Classification Sherloc (09022015). Collection method: clinical testing. Allele origin: germline.
Comment: In summary, the available evidence is currently insufficient to determine the role of this variant in disease. Therefore, it has been classified as a Variant of Uncertain Significance. Advanced modeling of protein sequence and biophysical properties (such as structural, functional, and spatial information, amino acid conservation, physicochemical variation, residue mobility, and thermodynamic stability) performed at Invitae indicates that this missense variant is not expected to disrupt FAT4 protein function. This variant has not been reported in the literature in individuals affected with FAT4-related conditions. This variant is not present in population databases (gnomAD no frequency). This sequence change replaces isoleucine, which is neutral and non-polar, with leucine, which is neutral and non-polar, at codon 2865 of the FAT4 protein (p.Ile2865Leu).

NM_001291303.3(FAT4):c.8599A>C (p.Ile2867Leu)

Gene: FAT4 (FAT atypical cadherin 4; plus strand). Cytogenetic location: 4q28.1.
Variant type: single nucleotide variant.
Coding change: c.8599A>C on transcript NM_001291303.3 (MANE Select); coding-DNA position 8599, A replaced by C.
Protein change: p.Ile2867Leu; replaces isoleucine 2867 with leucine.
Molecular consequence: missense variant.
Genome position (GRCh38, 1-based): chr4:125,449,609, A>C. VCF-style: chr4-125449609-A-C. GRCh37 (hg19) VCF-style: chr4-126370764-A-C.
Other names: c.8599A>C, p.Ile2867Leu (NM_001291285.3); c.8593A>C, p.Ile2865Leu (NM_024582.6); short protein forms I2867L, I2865L.
Identifiers: ClinVar variation 1994121 (VCV001994121.4), dbSNP rs2530897413, ClinGen allele CA358146652.